The following is an entry in ClinVar:

ClinVar aggregate classification (germline): Uncertain significance (1 of 4 stars; one submission).

Conditions:
Congenital muscular dystrophy due to integrin alpha-7 deficiency. Also called: Congenital muscular dystrophy with integrin alpha-7 deficiency; Muscular dystrophy, congenital, due to ITGA7 deficiency; MYOPATHY, CONGENITAL, DUE TO INTEGRIN ALPHA-7 DEFICIENCY. Identifiers: Orphanet 34520, MedGen C2750786, MONDO:0013177, OMIM 613204.

Submission:

Labcorp Genetics (formerly Invitae), Labcorp
Classification: Uncertain significance for Congenital muscular dystrophy due to integrin alpha-7 deficiency. Last evaluated: 2025-07-20. Review status: criteria provided, single submitter. Criteria: Invitae Variant Classification Sherloc (09022015). Collection method: clinical testing. Allele origin: germline.
Comment: This sequence change replaces isoleucine, which is neutral and non-polar, with threonine, which is neutral and polar, at codon 368 of the ITGA7 protein (p.Ile368Thr). This variant is not present in population databases (gnomAD no frequency). This variant has not been reported in the literature in individuals affected with ITGA7-related conditions. Invitae Evidence Modeling of protein sequence and biophysical properties (such as structural, functional, and spatial information, amino acid conservation, physicochemical variation, residue mobility, and thermodynamic stability) indicates that this missense variant is not expected to disrupt ITGA7 protein function with a negative predictive value of 80%. In summary, the available evidence is currently insufficient to determine the role of this variant in disease. Therefore, it has been classified as a Variant of Uncertain Significance.

NM_002206.3(ITGA7):c.1103T>C (p.Ile368Thr)

Gene: ITGA7 (integrin subunit alpha 7; minus strand). Cytogenetic location: 12q13.2.
Variant type: single nucleotide variant.
Coding change: c.1103T>C on transcript NM_002206.3 (MANE Select); coding-DNA position 1103, T replaced by C.
Protein change: p.Ile368Thr; replaces isoleucine 368 with threonine.
Molecular consequence: missense variant. On other transcripts: 5 prime UTR variant (1), intron variant (2).
Genome position (GRCh38, 1-based): chr12:55,698,472, A>G on the plus strand (T>C on the coding strand, the complement: ITGA7 is on the minus strand). VCF-style: chr12-55698472-A-G. GRCh37 (hg19) VCF-style: chr12-56092256-A-G.
Other names: c.1115T>C, p.Ile372Thr (NM_001144996.2, NM_001414029.1); c.824T>C, p.Ile275Thr (NM_001144997.2); c.776T>C, p.Ile259Thr (NM_001367993.1); c.-190T>C (NM_001367994.1); c.1103T>C, p.Ile368Thr (NM_001374465.1, NM_001414034.1); c.1235T>C, p.Ile412Thr (NM_001410977.1); c.983T>C, p.Ile328Thr (NM_001414032.1); c.920T>C, p.Ile307Thr (NM_001414033.1); and 3 more; short protein forms I255T, I275T, I328T, I372T, I368T, I412T, I259T, I307T.
Identifiers: ClinVar variation 4742499 (VCV004742499.1).